The following is an entry in ClinVar:

ClinVar aggregate classification (germline): Uncertain significance. Review status: criteria provided, multiple submitters, no conflicts (2 of 4 stars). 3 submissions from 3 submitters: Uncertain significance (3). Last evaluated 2025-02-11.

Conditions:
Gorlin syndrome. Also called: Basal cell nevus syndrome; Nevoid Basal Cell Carcinoma Syndrome. Identifiers: Orphanet 377, MedGen C0004779, MONDO:0007187.
PTCH2-related disorder. Also called: PTCH2-related condition; PTCH2-related disease.

Allele frequency attached by ClinVar (database versions not stated): ExAC 0.00001; gnomAD 0.00001; gnomAD exomes 0.00001 and 0.00002; TOPMed 0.00002; ESP Exome Variant Server 0.00008.
gnomAD v4.1: 29 of 1,613,928 alleles (0.0018%); highest among the groups gnomAD compares: Non-Finnish European, 0.0022%; no homozygotes.

Submissions (3):

PreventionGenetics, part of Exact Sciences
Classification: Uncertain significance for PTCH2-related condition. Last evaluated: 2025-02-11. Review status: criteria provided, single submitter. Criteria: ACMG Guidelines, 2015. Collection method: clinical testing. Allele origin: germline.
Comment: The PTCH2 c.2519C>G variant is predicted to result in the amino acid substitution p.Thr840Ser. To our knowledge, this variant has not been reported in the literature. This variant is reported in 0.0026% of alleles in individuals of European (Non-Finnish) descent in gnomAD. This variant is interpreted as uncertain in ClinVar. At this time, the clinical significance of this variant is uncertain due to the absence of conclusive functional and genetic evidence.

Ambry Genetics
Classification: Uncertain significance. Last evaluated: 2024-05-10. Review status: criteria provided, single submitter. Criteria: Ambry Variant Classification Scheme 2023. Collection method: clinical testing. Allele origin: germline.

Labcorp Genetics (formerly Invitae), Labcorp
Classification: Uncertain significance for Gorlin syndrome. Last evaluated: 2019-06-15. Review status: criteria provided, single submitter. Criteria: Invitae Variant Classification Sherloc (09022015). Collection method: clinical testing. Allele origin: germline.
Comment: This sequence change replaces threonine with serine at codon 840 of the PTCH2 protein (p.Thr840Ser). The threonine residue is moderately conserved and there is a small physicochemical difference between threonine and serine. This variant is present in population databases (rs150339322, ExAC 0.002%). This variant has not been reported in the literature in individuals with PTCH2-related conditions. In summary, the available evidence is currently insufficient to determine the role of this variant in disease. Therefore, it has been classified as a Variant of Uncertain Significance. Algorithms developed to predict the effect of missense changes on protein structure and function (SIFT, PolyPhen-2, Align-GVGD) all suggest that this variant is likely to be tolerated, but these predictions have not been confirmed by published functional studies and their clinical significance is uncertain.

NM_003738.5(PTCH2):c.2519C>G (p.Thr840Ser)

Gene: PTCH2 (patched 2; minus strand). Cytogenetic location: 1p34.1.
Variant type: single nucleotide variant.
Coding change: c.2519C>G on transcript NM_003738.5 (MANE Select); coding-DNA position 2519, C replaced by G.
Protein change: p.Thr840Ser; replaces threonine 840 with serine.
Molecular consequence: missense variant.
Genome position (GRCh38, 1-based): chr1:44,827,078, G>C on the plus strand (C>G on the coding strand, the complement: PTCH2 is on the minus strand). VCF-style: chr1-44827078-G-C. GRCh37 (hg19) VCF-style: chr1-45292750-G-C.
Other names: c.2519C>G, p.Thr840Ser (NM_001166292.2); short protein forms T840S.
Identifiers: ClinVar variation 952954 (VCV000952954.12), dbSNP rs150339322, ClinGen allele CA822969.